The following is an entry in ClinVar:

ClinVar aggregate classification (germline): Pathogenic (1 of 4 stars; one submission).

Submission:

Labcorp Genetics (formerly Invitae), Labcorp
Classification: Pathogenic. Last evaluated: 2023-07-30. Review status: criteria provided, single submitter. Criteria: Invitae Variant Classification Sherloc (09022015). Collection method: clinical testing. Allele origin: germline.
Comment: This variant has not been reported in the literature in individuals affected with LIFR-related conditions. For these reasons, this variant has been classified as Pathogenic. This variant is not present in population databases (gnomAD no frequency). This sequence change creates a premature translational stop signal (p.Ile427Asnfs*3) in the LIFR gene. It is expected to result in an absent or disrupted protein product. Loss-of-function variants in LIFR are known to be pathogenic (PMID: 14740318).

Literature cited by the submitters: PubMed 14740318.

NM_001127671.2(LIFR):c.1279dup (p.Ile427fs)

Gene: LIFR (LIF receptor subunit alpha; minus strand). Cytogenetic location: 5p13.1.
Variant type: Duplication.
Coding change: c.1279dup on transcript NM_001127671.2 (MANE Select); coding-DNA position 1279, one base duplicated (A; older notation c.1279dupA).
Protein change: p.Ile427fs; shifts the reading frame from isoleucine 427.
Molecular consequence: frameshift variant.
Genome position (GRCh38, 1-based): chr5:38,505,917, T duplicated on the plus strand (A on the coding strand, the reverse complement: LIFR is on the minus strand). VCF-style (leftmost placement, unchanged base first): chr5-38505916-A-AT. GRCh37 (hg19) VCF-style: chr5-38506018-A-AT.
Other names: c.1279dup, p.Ile427fs (NM_001364297.2, NM_001364298.2, NM_002310.6); short protein forms I427fs.
Identifiers: ClinVar variation 2748439 (VCV002748439.3), dbSNP rs2531043843, ClinGen allele CA2697547140.
Genomic context (GRCh38, chr5:38,505,916, plus strand): 5'-TCACCACTTTTAAAGTTATTTTTAAGACATTAGTTTATGTACAGCTTACCTTTTTCAGTT[A>AT]TATTAACTAAAATTGTTGATTGTGATCGACCCAGCGGATTGTGAGCATTCAAAGTAAAAT-3'